The following is an entry in ClinVar:

ClinVar aggregate classification (germline): Uncertain significance (1 of 4 stars; one submission).

Conditions:
RASopathy. Also called: rasopathies; Noonan spectrum disorder. Identifiers: Orphanet 536391, MedGen C5555857, MONDO:0021060.

Submission:

Labcorp Genetics (formerly Invitae), Labcorp
Classification: Uncertain significance for RASopathy. Last evaluated: 2025-05-29. Review status: criteria provided, single submitter. Criteria: Invitae Variant Classification Sherloc (09022015). Collection method: clinical testing. Allele origin: germline.
Comment: This sequence change replaces isoleucine, which is neutral and non-polar, with threonine, which is neutral and polar, at codon 536 of the RAF1 protein (p.Ile536Thr). This variant is not present in population databases (gnomAD no frequency). This variant has not been reported in the literature in individuals affected with RAF1-related conditions. Invitae Evidence Modeling of protein sequence and biophysical properties (such as structural, functional, and spatial information, amino acid conservation, physicochemical variation, residue mobility, and thermodynamic stability) indicates that this missense variant is expected to disrupt RAF1 protein function with a positive predictive value of 95%. In summary, the available evidence is currently insufficient to determine the role of this variant in disease. Therefore, it has been classified as a Variant of Uncertain Significance.

NM_002880.4(RAF1):c.1607T>C (p.Ile536Thr)

Gene: RAF1 (Raf-1 proto-oncogene, serine/threonine kinase; minus strand). Cytogenetic location: 3p25.2.
Variant type: single nucleotide variant.
Coding change: c.1607T>C on transcript NM_002880.4 (MANE Select); coding-DNA position 1607, T replaced by C.
Protein change: p.Ile536Thr; replaces isoleucine 536 with threonine.
Molecular consequence: missense variant. On other transcripts: non-coding transcript variant (3).
Genome position (GRCh38, 1-based): chr3:12,585,183, A>G on the plus strand (T>C on the coding strand, the complement: RAF1 is on the minus strand). VCF-style: chr3-12585183-A-G. GRCh37 (hg19) VCF-style: chr3-12626682-A-G.
Other names: c.1667T>C, p.Ile556Thr (NM_001354689.3); c.1607T>C, p.Ile536Thr (NM_001354690.3); c.1364T>C, p.Ile455Thr (NM_001354691.3, NM_001354692.3); c.1508T>C, p.Ile503Thr (NM_001354693.3); c.1424T>C, p.Ile475Thr (NM_001354694.3); c.1265T>C, p.Ile422Thr (NM_001354695.3); short protein forms I422T, I455T, I475T, I503T, I536T, I556T.
Identifiers: ClinVar variation 4801588 (VCV004801588.1).